The following is an entry in ClinVar:

NM_001165963.4(SCN1A):c.4493T>C (p.Ile1498Thr)

Genes: SCN1A (sodium voltage-gated channel alpha subunit 1; minus strand), LOC102724058 (uncharacterized LOC102724058; plus strand). Cytogenetic location: 2q24.3.
Variant type: single nucleotide variant.
Coding change: c.4493T>C on transcript NM_001165963.4 (MANE Select); coding-DNA position 4493, T replaced by C.
Protein change: p.Ile1498Thr; replaces isoleucine 1498 with threonine.
Molecular consequence: missense variant. On other transcripts: non-coding transcript variant (1).
Genome position (GRCh38, 1-based): chr2:165,996,101, A>G on the plus strand (T>C on the coding strand, the complement: SCN1A is on the minus strand). VCF-style: chr2-165996101-A-G. GRCh37 (hg19) VCF-style: chr2-166852611-A-G.
Other names: c.4409T>C, p.Ile1470Thr (NM_001165964.3, NM_001353957.2, NM_001353958.2); c.4493T>C, p.Ile1498Thr (NM_001202435.3, NM_001353948.2); c.4460T>C, p.Ile1487Thr (NM_001353949.2, NM_001353950.2, NM_001353951.2 and 2 more transcripts); c.4457T>C, p.Ile1486Thr (NM_001353954.2, NM_001353955.2); c.4406T>C, p.Ile1469Thr (NM_001353960.2); c.2051T>C, p.Ile684Thr (NM_001353961.2); short protein forms I1469T, I1470T, I1486T, I1487T, I1498T, I684T.
Identifiers: ClinVar variation 1709925 (VCV001709925.4), dbSNP rs796053017, ClinGen allele CA349048857.

ClinVar aggregate classification (germline): Likely pathogenic (1 of 4 stars; one submission).

Conditions:
Generalized epilepsy with febrile seizures plus, type 2 (GEFSP2). Also called: GEFS+, TYPE 2. Identifiers: Orphanet 36387, MedGen C1858673, MONDO:0011461, OMIM 604403.

Submissions (2):

MGZ Medical Genetics Center
Classification: Likely pathogenic for Generalized epilepsy with febrile seizures plus, type 2. Last evaluated: 2021-08-03. Review status: criteria provided, single submitter. Criteria: ACMG Guidelines, 2015. Collection method: clinical testing. Allele origin: germline. Affected: yes. Observed: 1 variant allele.
Comment: ACMG criteria applied: PM1, PM5, PP2, PP3

Channelopathy-Associated Epilepsy Research Center
No classification provided (evidence only). Condition: Severe myoclonic epilepsy in infancy. Review status: no classification provided. Collection method: literature only. Allele origin: not applicable. Functional consequence: Normal peak current, Normal voltage dependence of activation, Normal slope of activation, Severe depolarizing shift of voltage dependence of fast inactivation, Normal slope of fast inactivation, Normal fast inactivation, Normal persistent current, Acceleration of recovery from fast inactivation, Overall gain-of-function effect with respect to biophysical channel activity. Not counted in ClinVar's aggregate classification.
ClinVar note: "not provided" was previously submitted as the classification for the variant. However, the classification appeared to be based only on an observation of functional data so it was converted to no classification on 2025-07-30.

Literature cited by the submitters: PubMed 35696452 (cited by Channelopathy-Associated Epilepsy Research Center).